The following is an entry in ClinVar:

ClinVar aggregate classification (germline): Uncertain significance. Review status: criteria provided, multiple submitters, no conflicts (2 of 4 stars). 2 submissions from 2 submitters: Uncertain significance (2). Last evaluated 2024-04-22.

Allele frequency attached by ClinVar (database versions not stated): gnomAD exomes 0.00001 and 0.00002; ExAC 0.00004; ESP Exome Variant Server 0.00008.
gnomAD v4.1: 14 of 1,600,316 alleles (0.00087%); highest among the groups gnomAD compares: Non-Finnish European, 0.0012%; no homozygotes.

Submissions (2):

Ambry Genetics
Classification: Uncertain significance. Last evaluated: 2024-04-22. Review status: criteria provided, single submitter. Criteria: Ambry Variant Classification Scheme 2023. Collection method: clinical testing. Allele origin: germline.

Labcorp Genetics (formerly Invitae), Labcorp
Classification: Uncertain significance. Last evaluated: 2021-08-12. Review status: criteria provided, single submitter. Criteria: Invitae Variant Classification Sherloc (09022015). Collection method: clinical testing. Allele origin: germline.
Comment: In summary, the available evidence is currently insufficient to determine the role of this variant in disease. Therefore, it has been classified as a Variant of Uncertain Significance. Algorithms developed to predict the effect of missense changes on protein structure and function (SIFT, PolyPhen-2, Align-GVGD) all suggest that this variant is likely to be tolerated. This variant has not been reported in the literature in individuals affected with DUSP6-related conditions. This variant is present in population databases (rs372462926, ExAC 0.008%). This sequence change replaces alanine with aspartic acid at codon 141 of the DUSP6 protein (p.Ala141Asp). The alanine residue is moderately conserved and there is a moderate physicochemical difference between alanine and aspartic acid.

NM_001946.4(DUSP6):c.422C>A (p.Ala141Asp)

Genes: DUSP6 (dual specificity phosphatase 6; minus strand), POC1B-DUSP6 (POC1B-DUSP6 readthrough; minus strand). Cytogenetic location: 12q21.33.
Variant type: single nucleotide variant.
Coding change: c.422C>A on transcript NM_001946.4 (MANE Select); coding-DNA position 422, C replaced by A.
Protein change: p.Ala141Asp; replaces alanine 141 with aspartic acid.
Molecular consequence: missense variant. On other transcripts: intron variant (1).
Genome position (GRCh38, 1-based): chr12:89,351,004, G>T on the plus strand (C>A on the coding strand, the complement: DUSP6 is on the minus strand). VCF-style: chr12-89351004-G-T. GRCh37 (hg19) VCF-style: chr12-89744781-G-T.
Other names: c.400+636C>A (NM_022652.4); c.422C>A (NM_001946.2); short protein forms A141D.
Identifiers: ClinVar variation 1488011 (VCV001488011.9), dbSNP rs372462926, ClinGen allele CA6714029.
Genomic context (GRCh38, chr12:89,351,004, plus strand): 5'-GGCGGCGAGCTGCTGCTACACGAGCCGTCTAGATTGGTCTCGCAATGCAGGGAGAACTCG[G>T]CTTGGAACTTACTGAAGCCACCTGCCAGAACGAGAAAAGCAATCATCTAACCTGAGAAGC-3'
Protein context (NP_001937.2, residues 131-151): YLEGGFSKFQ[Ala141Asp]EFSLHCETNL